The following is an entry in ClinVar:

NM_006231.4(POLE):c.6299C>T (p.Pro2100Leu)

Gene: POLE (DNA polymerase epsilon, catalytic subunit; minus strand). Cytogenetic location: 12q24.33.
Variant type: single nucleotide variant.
Coding change: c.6299C>T on transcript NM_006231.4 (MANE Select); coding-DNA position 6299, C replaced by T.
Protein change: p.Pro2100Leu; replaces proline 2100 with leucine.
Molecular consequence: missense variant.
Genome position (GRCh38, 1-based): chr12:132,632,346, G>A on the plus strand (C>T on the coding strand, the complement: POLE is on the minus strand). VCF-style: chr12-132632346-G-A. GRCh37 (hg19) VCF-style: chr12-133208932-G-A.
Other names: short protein forms P2100L.
Identifiers: ClinVar variation 1034504 (VCV001034504.8), dbSNP rs1060500780, ClinGen allele CA387369304.

ClinVar aggregate classification (germline): Uncertain significance (1 of 4 stars; one submission).

Submission:

Labcorp Genetics (formerly Invitae), Labcorp
Classification: Uncertain significance. Last evaluated: 2023-12-11. Review status: criteria provided, single submitter. Criteria: Invitae Variant Classification Sherloc (09022015). Collection method: clinical testing. Allele origin: germline.
Comment: This sequence change replaces proline, which is neutral and non-polar, with leucine, which is neutral and non-polar, at codon 2100 of the POLE protein (p.Pro2100Leu). This variant is not present in population databases (gnomAD no frequency). This variant has not been reported in the literature in individuals affected with POLE-related conditions. ClinVar contains an entry for this variant (Variation ID: 1034504). Advanced modeling of protein sequence and biophysical properties (such as structural, functional, and spatial information, amino acid conservation, physicochemical variation, residue mobility, and thermodynamic stability) performed at Invitae indicates that this missense variant is not expected to disrupt POLE protein function with a negative predictive value of 80%. In summary, the available evidence is currently insufficient to determine the role of this variant in disease. Therefore, it has been classified as a Variant of Uncertain Significance.